The following is an entry in ClinVar:

NM_001103.4(ACTN2):c.1108G>A (p.Asp370Asn)

Gene: ACTN2 (actinin alpha 2; plus strand). Cytogenetic location: 1q43.
Variant type: single nucleotide variant.
Coding change: c.1108G>A on transcript NM_001103.4 (MANE Select); coding-DNA position 1108, G replaced by A.
Protein change: p.Asp370Asn; replaces aspartic acid 370 with asparagine.
Molecular consequence: missense variant.
Genome position (GRCh38, 1-based): chr1:236,742,896, G>A. VCF-style: chr1-236742896-G-A. GRCh37 (hg19) VCF-style: chr1-236906196-G-A.
Other names: c.1108G>A, p.Asp370Asn (NM_001278343.2); c.484G>A, p.Asp162Asn (NM_001278344.2); short protein forms D162N, D370N.
Identifiers: ClinVar variation 639919 (VCV000639919.11), dbSNP rs776851017, ClinGen allele CA1473061.

ClinVar aggregate classification (germline): Uncertain significance. Review status: criteria provided, single submitter (1 of 4 stars). 2 submissions from 2 submitters: Uncertain significance (1). 1 of the submissions does not count toward it. Last evaluated 2022-06-04.

Conditions:
ACTN2-related disorder. Also called: ACTN2-related disorders; ACTN2 related condition.
Dilated cardiomyopathy 1AA (CMD1AA). Also called: Cardiomyopathy, dilated, 1AA, with or without LVNC; CARDIOMYOPATHY, DILATED, 1AA, WITH OR WITHOUT LEFT VENTRICULAR NONCOMPACTION; CARDIOMYOPATHY, FAMILIAL HYPERTROPHIC, 23, WITH OR WITHOUT LEFT VENTRICULAR NONCOMPACTION. Identifiers: Orphanet 154, MedGen C2677338, MONDO:0012808, OMIM 612158.
Primary familial hypertrophic cardiomyopathy (HCM). Identifiers: Orphanet 99739, MedGen C0949658, MeSH D024741, MONDO:0024573. Inheritance: Various modes of inheritance.

Allele frequency attached by ClinVar (database versions not stated): gnomAD exomes below 0.00001; ExAC 0.00001.
gnomAD v4.1: 1 of 1,614,194 alleles (0.000062%); highest among the groups gnomAD compares: Non-Finnish European, 0.000085%; no homozygotes.

Submissions (2):

Labcorp Genetics (formerly Invitae), Labcorp
Classification: Uncertain significance for Primary familial hypertrophic cardiomyopathy; Dilated cardiomyopathy 1AA. Last evaluated: 2022-06-04. Review status: criteria provided, single submitter. Criteria: Invitae Variant Classification Sherloc (09022015). Collection method: clinical testing. Allele origin: germline.
Comment: This sequence change replaces aspartic acid, which is acidic and polar, with asparagine, which is neutral and polar, at codon 370 of the ACTN2 protein (p.Asp370Asn). This variant is present in population databases (rs776851017, gnomAD 0.0009%). This variant has not been reported in the literature in individuals affected with ACTN2-related conditions. ClinVar contains an entry for this variant (Variation ID: 639919). Algorithms developed to predict the effect of missense changes on protein structure and function are either unavailable or do not agree on the potential impact of this missense change (SIFT: "Deleterious"; PolyPhen-2: "Probably Damaging"; Align-GVGD: "Class C15"). In summary, the available evidence is currently insufficient to determine the role of this variant in disease. Therefore, it has been classified as a Variant of Uncertain Significance.

PreventionGenetics, part of Exact Sciences
Classification: Uncertain significance for ACTN2-related condition. Last evaluated: 2023-12-12. Review status: no assertion criteria provided. Collection method: clinical testing. Allele origin: germline. Not counted in ClinVar's aggregate classification.
Comment: The ACTN2 c.1108G>A variant is predicted to result in the amino acid substitution p.Asp370Asn. To our knowledge, this variant has not been reported in the literature. This variant is reported in 0.00088% of alleles in individuals of European (Non-Finnish) descent in gnomAD. At this time, the clinical significance of this variant is uncertain due to the absence of conclusive functional and genetic evidence.